The following is an entry in ClinVar:

ClinVar aggregate classification (germline): Benign/Likely benign. Review status: criteria provided, multiple submitters, no conflicts (2 of 4 stars). 3 submissions from 3 submitters: Benign (1); Likely benign (2). Last evaluated 2025-02-04.

Conditions:
Hereditary nonpolyposis colorectal neoplasms. Identifiers: MedGen C0009405, MeSH D003123.
Hereditary cancer-predisposing syndrome. Also called: Neoplastic Syndromes, Hereditary; Hereditary Cancer Syndrome; Hereditary neoplastic syndrome; Tumor predisposition. Identifiers: Orphanet 140162, MedGen C0027672, MeSH D009386, MONDO:0015356.
Lynch syndrome 4 (LYNCH4). Also called: Colorectal cancer, hereditary nonpolyposis, type 4; Hereditary non-polyposis colorectal cancer, type 4. Identifiers: Orphanet 144, MedGen C1838333, MONDO:0013699, OMIM 614337. Disease mechanism: loss of function.

Allele frequency attached by ClinVar (database versions not stated): gnomAD exomes below 0.00001.

Submissions (3):

Myriad Genetics, Inc.
Classification: Benign for Lynch syndrome 4. Last evaluated: 2025-02-04. Review status: criteria provided, single submitter. Criteria: Myriad Autosomal Dominant, Autosomal Recessive and X-Linked Classification Criteria (2023). Collection method: clinical testing. Allele origin: unknown.
Comment: This variant is considered benign. This variant is a silent/synonymous amino acid change and it is not expected to impact splicing.

Labcorp Genetics (formerly Invitae), Labcorp
Classification: Likely benign for Hereditary nonpolyposis colorectal neoplasms. Last evaluated: 2024-05-06. Review status: criteria provided, single submitter. Criteria: Invitae Variant Classification Sherloc (09022015). Collection method: clinical testing. Allele origin: germline.

Ambry Genetics
Classification: Likely benign for Hereditary cancer-predisposing syndrome. Last evaluated: 2020-07-04. Review status: criteria provided, single submitter. Criteria: Ambry Variant Classification Scheme 2023. Collection method: clinical testing. Allele origin: germline.

NM_000535.7(PMS2):c.2356C>T (p.Leu786=)

Gene: PMS2 (PMS1 homolog 2, mismatch repair system component; minus strand). Cytogenetic location: 7p22.1.
Variant type: single nucleotide variant.
Coding change: c.2356C>T on transcript NM_000535.7 (MANE Select); coding-DNA position 2356, C replaced by T.
Protein change: p.Leu786=; no amino-acid change (leucine 786 retained).
Molecular consequence: synonymous variant. On other transcripts: non-coding transcript variant (1).
Genome position (GRCh38, 1-based): chr7:5,977,677, G>A on the plus strand (C>T on the coding strand, the complement: PMS2 is on the minus strand). VCF-style: chr7-5977677-G-A. GRCh37 (hg19) VCF-style: chr7-6017308-G-A.
Other names: c.1951C>T, p.Leu651= (NM_001322003.2, NM_001322004.2, NM_001322005.2); c.2200C>T, p.Leu734= (NM_001322006.2); c.2038C>T, p.Leu680= (NM_001322007.2, NM_001322008.2); c.1984C>T, p.Leu662= (NM_001322009.2); c.1795C>T, p.Leu599= (NM_001322010.2); c.1423C>T, p.Leu475= (NM_001322011.2, NM_001322012.2); c.1783C>T, p.Leu595= (NM_001322013.2); c.2389C>T, p.Leu797= (NM_001322014.2); and 1 more.
Identifiers: ClinVar variation 1119444 (VCV001119444.12), dbSNP rs576055272, ClinGen allele CA453642411.